The following is an entry in ClinVar:

NM_000059.4(BRCA2):c.1115A>G (p.Asn372Ser)

Gene: BRCA2 (BRCA2 DNA repair associated; plus strand). Cytogenetic location: 13q13.1.
Variant type: single nucleotide variant.
Coding change: c.1115A>G on transcript NM_000059.4 (MANE Select); coding-DNA position 1115, A replaced by G.
Protein change: p.Asn372Ser; replaces asparagine 372 with serine.
Molecular consequence: missense variant.
Genome position (GRCh38, 1-based): chr13:32,332,593, A>G. VCF-style: chr13-32332593-A-G. GRCh37 (hg19) VCF-style: chr13-32906730-A-G.
Other names: short protein forms N372S.
Identifiers: ClinVar variation 231076 (VCV000231076.18), dbSNP rs876658943, ClinGen allele CA10579483.

ClinVar aggregate classification (germline): Conflicting classifications of pathogenicity. Review status: criteria provided, conflicting classifications (1 of 4 stars). 6 submissions from 6 submitters: Uncertain significance (4); Likely benign (2). Last evaluated 2025-08-18.

Conditions:
Familial cancer of breast. Also called: BREAST CANCER, FAMILIAL; hereditary breast carcinoma; Hereditary breast cancer. Identifiers: Orphanet 227535, MedGen C0346153, MONDO:0016419, OMIM 114480. Disease mechanism: loss of function.
Hereditary cancer-predisposing syndrome. Also called: Neoplastic Syndromes, Hereditary; Tumor predisposition; Hereditary Cancer Syndrome; Hereditary neoplastic syndrome. Identifiers: Orphanet 140162, MedGen C0027672, MeSH D009386, MONDO:0015356.
Hereditary breast ovarian cancer syndrome. Also called: BRCA1- and BRCA2-Associated Hereditary Breast and Ovarian Cancer; Hereditary breast and ovarian cancer syndrome; Hereditary breast and ovarian cancer; Hereditary breast and ovarian cancer syndrome (HBOC); Breast and ovarian cancer; Hereditary breast and/or ovarian cancer syndrome. Identifiers: Orphanet 145, MedGen C0677776, MeSH D061325, MONDO:0003582. Disease mechanism: loss of function.

Allele frequency attached by ClinVar (database versions not stated): gnomAD exomes below 0.00001.
gnomAD v4.1: 1 of 1,613,880 alleles (0.000062%); highest among the groups gnomAD compares: Non-Finnish European, 0.000085%; no homozygotes.

Submissions (6):

Labcorp Genetics (formerly Invitae), Labcorp
Classification: Uncertain significance for Hereditary breast ovarian cancer syndrome. Last evaluated: 2025-08-18. Review status: criteria provided, single submitter. Criteria: Invitae Variant Classification Sherloc (09022015). Collection method: clinical testing. Allele origin: germline.
Comment: This sequence change replaces asparagine, which is neutral and polar, with serine, which is neutral and polar, at codon 372 of the BRCA2 protein (p.Asn372Ser). This variant is present in population databases (no rsID available, gnomAD 0.0009%). This variant has not been reported in the literature in individuals affected with BRCA2-related conditions. ClinVar contains an entry for this variant (Variation ID: 231076). Invitae Evidence Modeling of protein sequence and biophysical properties (such as structural, functional, and spatial information, amino acid conservation, physicochemical variation, residue mobility, and thermodynamic stability) indicates that this missense variant is not expected to disrupt BRCA2 protein function with a negative predictive value of 95%. In summary, the available evidence is currently insufficient to determine the role of this variant in disease. Therefore, it has been classified as a Variant of Uncertain Significance.

Color Diagnostics, LLC DBA Color Health
Classification: Uncertain significance for Hereditary cancer-predisposing syndrome. Last evaluated: 2025-05-31. Review status: criteria provided, single submitter. Criteria: ACMG Guidelines, 2015. Collection method: clinical testing. Allele origin: germline.
Comment: This missense variant replaces asparagine with serine at codon 372 of the BRCA2 protein. Computational prediction suggests that this variant may not impact protein structure and function. To our knowledge, functional studies have not been reported for this variant. A multifactorial analysis has reported a likelihood ratio for pathogenicity based on personal and family history of 1.383 from log(LR)=0.1408 for one carrier (PMID: 31853058). This variant has been identified in 1/249940 chromosomes in the general population by the Genome Aggregation Database (gnomAD). The available evidence is insufficient to determine the role of this variant in disease conclusively. Therefore, this variant is classified as a Variant of Uncertain Significance.

Department of Clinical Genetics, Copenhagen University Hospital, Rigshospitalet
Classification: Likely benign for Familial cancer of breast. Last evaluated: 2025-04-15. Review status: criteria provided, single submitter. Criteria: ACMG Guidelines, 2015. Collection method: clinical testing. Allele origin: germline.
Comment: The following ACMG criteria has been used: PM2_SUP; BP1_Strong (SpliceAI<0.1)

Center for Genomic Medicine, Rigshospitalet, Copenhagen University Hospital
Classification: Uncertain significance. Last evaluated: 2025-03-04. Review status: criteria provided, single submitter. Criteria: ACMG Guidelines, 2015. Collection method: clinical testing. Allele origin: germline.

Ambry Genetics
Classification: Uncertain significance for Hereditary cancer-predisposing syndrome. Last evaluated: 2024-10-01. Review status: criteria provided, single submitter. Criteria: Ambry Variant Classification Scheme 2023. Collection method: clinical testing. Allele origin: germline.
Comment: The p.N372S variant (also known as c.1115A>G), located in coding exon 9 of the BRCA2 gene, results from an A to G substitution at nucleotide position 1115. The asparagine at codon 372 is replaced by serine, an amino acid with highly similar properties. This amino acid position is not well conserved in available vertebrate species. In addition, this alteration is predicted to be tolerated by in silico analysis. Since supporting evidence is limited at this time, the clinical significance of this alteration remains unclear.

University of Washington Department of Laboratory Medicine, University of Washington
Classification: Likely benign for Hereditary cancer-predisposing syndrome. Last evaluated: 2023-03-23. Review status: criteria provided, single submitter. Criteria: Dines et al. (Genet Med. 2020). Collection method: curation. Allele origin: germline.
Comment: Missense variant in a coldspot region where missense variants are very unlikely to be pathogenic (PMID:31911673).

BRCA2 exon 10 coldspot. Reclassification based on statistical prior probability.

Literature cited by the submitters: PubMed 31853058 (cited by Color Diagnostics, LLC DBA Color Health).